The following is an entry in ClinVar:

ClinVar aggregate classification (germline): Benign (1 of 4 stars; one submission).

Allele frequency attached by ClinVar (database versions not stated): gnomAD 0.05375 and 0.05652; TOPMed 0.06005; 1000 Genomes Project 0.06709; 1000 Genomes Project 30x 0.07105.
gnomAD v4.1: 8,102 of 152,198 alleles (5.3%); highest among the groups gnomAD compares: African/African-American, 17%; 661 homozygotes.

Submission:

GeneDx
Classification: Benign. Last evaluated: 2018-06-18. Review status: criteria provided, single submitter. Criteria: GeneDx Variant Classification (06012015). Collection method: clinical testing. Allele origin: germline. Affected: yes.
Comment: This variant is considered likely benign or benign based on one or more of the following criteria: it is a conservative change, it occurs at a poorly conserved position in the protein, it is predicted to be benign by multiple in silico algorithms, and/or has population frequency not consistent with disease.

NM_000070.3(CAPN3):c.632+263A>G

Gene: CAPN3 (calpain 3; plus strand). Cytogenetic location: 15q15.1.
Variant type: single nucleotide variant.
Coding change: c.632+263A>G on transcript NM_000070.3 (MANE Select); 263 bases into the intron after coding-DNA position 632, A replaced by G.
Molecular consequence: intron variant.
Genome position (GRCh38, 1-based): chr15:42,388,149, A>G. VCF-style: chr15-42388149-A-G. GRCh37 (hg19) VCF-style: chr15-42680347-A-G.
Other names: c.632+263A>G (NM_024344.2, NM_173087.2).
Identifiers: ClinVar variation 671686 (VCV000671686.1), dbSNP rs7174880, ClinGen allele CA14130889.